The following is an entry in ClinVar:

ClinVar aggregate classification (germline): Uncertain significance (1 of 4 stars; one submission).

Conditions:
Hereditary cancer-predisposing syndrome. Also called: Neoplastic Syndromes, Hereditary; Hereditary Cancer Syndrome; Tumor predisposition; Hereditary neoplastic syndrome. Identifiers: Orphanet 140162, MedGen C0027672, MeSH D009386, MONDO:0015356.

Submission:

Ambry Genetics
Classification: Uncertain significance for Hereditary cancer-predisposing syndrome. Last evaluated: 2025-01-25. Review status: criteria provided, single submitter. Criteria: Ambry Variant Classification Scheme 2023. Collection method: clinical testing. Allele origin: germline.
Comment: The p.M1210I variant (also known as c.3630G>A), located in coding exon 30 of the TSC2 gene, results from a G to A substitution at nucleotide position 3630. The methionine at codon 1210 is replaced by isoleucine, an amino acid with highly similar properties. This amino acid position is conserved. In addition, this alteration is predicted to be deleterious by in silico analysis. Based on the available evidence, the clinical significance of this variant remains unclear.

NM_000548.5(TSC2):c.3630G>A (p.Met1210Ile)

Gene: TSC2 (TSC complex subunit 2; plus strand). Cytogenetic location: 16p13.3.
Variant type: single nucleotide variant.
Coding change: c.3630G>A on transcript NM_000548.5 (MANE Select); coding-DNA position 3630, G replaced by A.
Protein change: p.Met1210Ile; replaces methionine 1210 with isoleucine.
Molecular consequence: missense variant. On other transcripts: non-coding transcript variant (5).
Genome position (GRCh38, 1-based): chr16:2,081,614, G>A. VCF-style: chr16-2081614-G-A. GRCh37 (hg19) VCF-style: chr16-2131615-G-A.
Other names: c.3498G>A, p.Met1166Ile (NM_001077183.3, NM_001370404.1, NM_001406665.1); c.3630G>A, p.Met1210Ile (NM_001114382.3); c.3390G>A, p.Met1130Ile (NM_001318827.2); c.3354G>A, p.Met1118Ile (NM_001318829.2); c.2898G>A, p.Met966Ile (NM_001318831.2, NM_001406687.1, NM_001406688.1); c.3531G>A, p.Met1177Ile (NM_001318832.2); c.3501G>A, p.Met1167Ile (NM_001363528.2, NM_001370405.1, NM_021055.3); c.3627G>A, p.Met1209Ile (NM_001406663.1, NM_001406664.1); and 18 more; short protein forms M1117I, M1129I, M1160I, M1210I, M1161I, M1162I, M1163I, M1166I.
Identifiers: ClinVar variation 3811348 (VCV003811348.1).
Genomic context (GRCh38, chr16:2,081,614, plus strand): 5'-GAGGTACTGGCCTCAGGCCAAAGGTGCTGCCGCCTCCGCAGGGAACACCAGCTGGCTGAT[G>A]AGCCTGGAGAACCCGCTCAGCCCTTTCTCCTCGGACATCAACAACATGCCCCTGCAGGAG-3'
Protein context (NP_000539.2, residues 1200-1220): RRPTGNTSWL[Met1210Ile]SLENPLSPFS